The following is an entry in ClinVar:

NM_005670.4(EPM2A):c.336C>A (p.Tyr112Ter)

Gene: EPM2A (EPM2A glucan phosphatase, laforin; minus strand). Cytogenetic location: 6q24.3.
Variant type: single nucleotide variant.
Coding change: c.336C>A on transcript NM_005670.4 (MANE Select); coding-DNA position 336, C replaced by A.
Protein change: p.Tyr112Ter; replaces tyrosine 112 with a stop codon.
Molecular consequence: nonsense. On other transcripts: 5 prime UTR variant (5), non-coding transcript variant (1).
Genome position (GRCh38, 1-based): chr6:145,686,262, G>T on the plus strand (C>A on the coding strand, the complement: EPM2A is on the minus strand). VCF-style: chr6-145686262-G-T. GRCh37 (hg19) VCF-style: chr6-146007398-G-T.
Other names: NR_153398.2:n.151C>A; c.336C>A, p.Tyr112Ter (NM_001018041.2, NM_001360057.2, NM_001368130.1); c.-79C>A (NM_001360064.2, NM_001360071.2, NM_001368131.1); c.-288C>A (NM_001368129.2, NM_001368132.1); short protein forms Y112*.
Identifiers: ClinVar variation 3776856 (VCV003776856.2).
Genomic context (GRCh38, chr6:145,686,262, plus strand): 5'-GGCCTCAATCCAGTGTCCTATTGGGAGACAATACACACCATCCACCAAGTTGTTTTCATT[G>T]TAAGTACAGCAACGGTCATGATGAGGTCCATTGCCTAGAACAAGAAAAAATGATAAACAG-3'

ClinVar aggregate classification (germline): Pathogenic/Likely pathogenic. Review status: criteria provided, multiple submitters, no conflicts (2 of 4 stars). 2 submissions from 2 submitters: Pathogenic (1); Likely pathogenic (1). Last evaluated 2025-01-06.

Conditions:
Lafora disease. Also called: Epilepsy progressive myoclonic 2; Progressive Myoclonus Epilepsy, Lafora Type. Identifiers: Orphanet 501, MedGen C0751783, MONDO:0009697.
EPM2A-related disorders.

gnomAD v4.1: 1 of 1,613,910 alleles (0.000062%); highest among the groups gnomAD compares: Non-Finnish European, 0.000085%; no homozygotes.

Submissions (2):

Broad Center for Mendelian Genomics, Broad Institute of MIT and Harvard
Classification: Pathogenic for Lafora disease. Last evaluated: 2025-01-06. Review status: criteria provided, single submitter. Criteria: ACMG Guidelines, 2015. Collection method: curation. Allele origin: germline. Inheritance: Autosomal recessive inheritance.
Comment: The p.Tyr112Ter (c.336C>A) variant in EPM2A has been reported in 2 individuals with Lafora disease (PMID: 25015673), and has been identified in 0.00009% (1/1111840) of European (non-Finnish) chromosomes by the Genome Aggregation Database (gnomAD). Although this variant has been seen in the general population in a heterozygous state, its frequency is low enough to be consistent with a recessive carrier frequency. Of the 2 affected individuals, both of those were homozygotes, which increases the likelihood that the p.Tyr112Ter variant is pathogenic (PMID: 25015673). This nonsense variant leads to a premature termination codon at position 112, which is predicted to lead to a truncated or absent protein. Loss of function of the EPM2A is an established disease mechanism in autosomal recessive Lafora disease. The phenotype of the individuals homozygous for this variant is highly specific for Lafora disease based on biopsies showing Lafora bodies consistent with disease (PMID: 25015673). In summary, this variant meets criteria to be classified as pathogenic for autosomal recessive Lafora disease. ACMG/AMP Criteria applied: PVS1, PP4, PM2_supporting, PM3 (Richards 2015).

Blueprint Genetics
Classification: Likely pathogenic for EPM2A-related disorders. Last evaluated: 2019-02-19. Review status: criteria provided, single submitter. Criteria: ACMG Guidelines, 2015. Collection method: clinical testing. Allele origin: germline. Affected: yes. Observed: 1 variant allele.